The following is an entry in ClinVar:

NM_030912.3(TRIM8):c.1062del (p.Pro355fs)

Gene: TRIM8 (tripartite motif containing 8; plus strand). Cytogenetic location: 10q24.32.
Variant type: Deletion.
Coding change: c.1062del on transcript NM_030912.3 (MANE Select); coding-DNA position 1062, one base deleted (G; older notation c.1062delG).
Protein change: p.Pro355fs; shifts the reading frame from proline 355.
Molecular consequence: frameshift variant. On other transcripts: non-coding transcript variant (1).
Genome position (GRCh38, 1-based): chr10:102,656,760, G deleted. VCF-style (leftmost placement, unchanged base first): chr10-102656759-CG-C. GRCh37 (hg19) VCF-style: chr10-104416516-CG-C.
Other names: c.966del, p.Pro323fs (NM_001345950.1); short protein forms P323fs, P355fs.
Identifiers: ClinVar variation 1703082 (VCV001703082.3), dbSNP rs2492914801, ClinGen allele CA2580081183.

ClinVar aggregate classification (germline): Likely pathogenic (1 of 4 stars; one submission).

Conditions:
Focal segmental glomerulosclerosis and neurodevelopmental syndrome. Identifiers: MedGen C5561938, MONDO:0100111, OMIM 619428.

Submission:

Greenwood Genetic Center Diagnostic Laboratories, Greenwood Genetic Center
Classification: Likely pathogenic for Focal segmental glomerulosclerosis and neurodevelopmental syndrome. Last evaluated: 2022-06-01. Review status: criteria provided, single submitter. Criteria: ACMG Guidelines, 2015. Collection method: clinical testing. Allele origin: germline. Affected: yes.
Comment: PVS1, PM2